The following is an entry in ClinVar:

NM_020457.3(THAP11):c.366_389del (p.Gln125_Gln132del)

Genes: CENPT (centromere protein T; minus strand), THAP11 (THAP domain containing 11; plus strand). Cytogenetic location: 16q22.1.
Variant type: Deletion.
Coding change: c.366_389del on transcript NM_020457.3 (MANE Select); coding-DNA positions 366 to 389, 24 bases deleted (ACAGCAGCAGCAGCAGCAGCAGCA).
Protein change: p.Gln125_Gln132del.
Molecular consequence: inframe deletion. On other transcripts: intron variant (1).
Genome position (GRCh38, 1-based): chr16:67,842,920-67,842,943, ACAGCAGCAGCAGCAGCAGCAGCA deleted; deleting any 24 consecutive bases within chr16:67,842,903-67,842,943 gives the same sequence; the c. name uses the placement nearest the transcript's 3' end. VCF-style (leftmost placement, unchanged base first): chr16-67842902-ACAGCAGCAGCAGCAGCAACAGCAG-A. GRCh37 (hg19) VCF-style: chr16-67876805-ACAGCAGCAGCAGCAGCAACAGCAG-A.
Other names: c.-492+4475_-492+4498del (NM_025082.4).
Identifiers: ClinVar variation 1582497 (VCV001582497.10), dbSNP rs750882791, ClinGen allele CA8118204.
Genomic context (GRCh38, chr16:67,842,902, plus strand): 5'-GGCCGCGGCCGCCCGCCGCAGGCAGCAGCAGCAACAGCAGCAGCAGCAGCAACAGCAGCA[ACAGCAGCAGCAGCAGCAACAGCAG>A]CAGCAGCAGCAGCAGCAGCAGCAGTCCTCACCCTCTGCCTCCACTGCCCAGACTGCCCAG-3'

ClinVar aggregate classification (germline): Benign. Review status: criteria provided, single submitter (1 of 4 stars). 2 submissions from 2 submitters: Benign (1). 1 of the submissions does not count toward it. Last evaluated 2026-01-26.

Conditions:
THAP11-related disorder. Also called: THAP11-related condition.

Submissions (2):

Labcorp Genetics (formerly Invitae), Labcorp
Classification: Benign. Last evaluated: 2026-01-26. Review status: criteria provided, single submitter. Criteria: Invitae Variant Classification Sherloc (09022015). Collection method: clinical testing. Allele origin: germline.

PreventionGenetics, part of Exact Sciences
Classification: Likely benign for THAP11-related condition. Last evaluated: 2019-11-20. Review status: no assertion criteria provided. Collection method: clinical testing. Allele origin: germline. Not counted in ClinVar's aggregate classification.
Comment: This variant is classified as likely benign based on ACMG/AMP sequence variant interpretation guidelines (Richards et al. 2015 PMID: 25741868, with internal and published modifications).